The following is an entry in ClinVar:

NC_000017.10:g.(41228632_41234420)_(41234593_41242960)del

Gene: BRCA1 (BRCA1 DNA repair associated; minus strand). Cytogenetic location: 17q21.31.
Variant type: Deletion.
Identifiers: ClinVar variation 987816 (VCV000987816.1).

ClinVar aggregate classification (germline): Pathogenic (1 of 4 stars; one submission).

Conditions:
Hereditary breast ovarian cancer syndrome. Also called: Hereditary breast and ovarian cancer syndrome; Hereditary breast and ovarian cancer syndrome (HBOC); Breast and ovarian cancer; Hereditary breast and/or ovarian cancer syndrome; Hereditary breast and ovarian cancer; BRCA1- and BRCA2-Associated Hereditary Breast and Ovarian Cancer. Identifiers: Orphanet 145, MedGen C0677776, MeSH D061325, MONDO:0003582. Disease mechanism: loss of function.

Submission:

Women's Health and Genetics/Laboratory Corporation of America, LabCorp
Classification: Pathogenic for Hereditary breast and ovarian cancer syndrome. Last evaluated: 2020-11-09. Review status: criteria provided, single submitter. Criteria: LabCorp Variant Classification Summary - May 2015. Collection method: clinical testing. Allele origin: germline.
Comment: Variant summary: The variant identified by MLPA or other technology involves the deletion of exon 12 (or exon 13 using alternate exon numbering) in the BRCA1 gene. A presumed nomenclature of c.(4185+1_4186-1)_(4357+1_4358-1)del has been designated for the purposes of this classification. Although exact breakpoints of this deletion are not known, it is expected to result in a frameshift deletion change in the BRCA1 gene, a known mechanism of disease. The variant was absent in 21694 control chromosomes (gnomAD, Structural Variants dataset). Deletion of exon 12 (also described in the literature as c.4186-1643_4357+2020del, c.4186-832_4357+1955del or c.4186-1632_4357+2031del) has been reported in multiple individuals affected with Hereditary Breast And Ovarian Cancer Syndrome (e.g. Petrij-Bosch_1997, Rebbeck_2018). These data indicate that the variant is very likely to be associated with disease. Two ClinVar submitters (evaluation after 2014) cite the variant as pathogenic. Based on the evidence outlined above, the variant was classified as pathogenic.

Literature cited by the submitters: PubMed 29446198; PubMed 9354803.